The following is an entry in ClinVar:

NM_012330.4(KAT6B):c.3196A>G (p.Lys1066Glu)

Gene: KAT6B (lysine acetyltransferase 6B; plus strand). Cytogenetic location: 10q22.2.
Variant type: single nucleotide variant.
Coding change: c.3196A>G on transcript NM_012330.4 (MANE Select); coding-DNA position 3196, A replaced by G.
Protein change: p.Lys1066Glu; replaces lysine 1066 with glutamic acid.
Molecular consequence: missense variant.
Genome position (GRCh38, 1-based): chr10:75,022,055, A>G. VCF-style: chr10-75022055-A-G. GRCh37 (hg19) VCF-style: chr10-76781813-A-G.
Other names: c.2320A>G, p.Lys774Glu (NM_001370140.1, NM_001370141.1, NM_001370142.1 and 2 more transcripts); c.2131A>G, p.Lys711Glu (NM_001370143.1, NM_001370144.1); c.2647A>G, p.Lys883Glu (NM_001256468.2, NM_001370138.1); c.2158A>G, p.Lys720Glu (NM_001370132.1); c.1507A>G, p.Lys503Glu (NM_001370133.1); c.1111A>G, p.Lys371Glu (NM_001370134.1); c.853A>G, p.Lys285Glu (NM_001370135.1); c.3196A>G, p.Lys1066Glu (NM_001370136.1, NM_001370137.1); short protein forms K1066E, K774E, K883E, K720E, K285E, K503E, K371E, K711E.
Identifiers: ClinVar variation 3713005 (VCV003713005.2).

ClinVar aggregate classification (germline): Uncertain significance (1 of 4 stars; one submission).

Conditions:
Genitopatellar syndrome (GTPTS). Also called: ABSENT PATELLAE, SCROTAL HYPOPLASIA, RENAL ANOMALIES, FACIAL DYSMORPHISM, AND MENTAL RETARDATION; Genitopatellar syndrome (GPS). Identifiers: Orphanet 85201, MedGen C1853566, MONDO:0011640, OMIM 606170.

gnomAD v4.1: 1 of 1,613,926 alleles (0.000062%); highest among the groups gnomAD compares: African/African-American, 0.0013%; no homozygotes.

Submission:

Labcorp Genetics (formerly Invitae), Labcorp
Classification: Uncertain significance for Genitopatellar syndrome. Last evaluated: 2024-04-08. Review status: criteria provided, single submitter. Criteria: Invitae Variant Classification Sherloc (09022015). Collection method: clinical testing. Allele origin: germline.
Comment: This sequence change replaces lysine, which is basic and polar, with glutamic acid, which is acidic and polar, at codon 1066 of the KAT6B protein (p.Lys1066Glu). This variant is not present in population databases (gnomAD no frequency). This variant has not been reported in the literature in individuals affected with KAT6B-related conditions. Advanced modeling of protein sequence and biophysical properties (such as structural, functional, and spatial information, amino acid conservation, physicochemical variation, residue mobility, and thermodynamic stability) performed at Invitae indicates that this missense variant is not expected to disrupt KAT6B protein function with a negative predictive value of 80%. In summary, the available evidence is currently insufficient to determine the role of this variant in disease. Therefore, it has been classified as a Variant of Uncertain Significance.